The following is an entry in ClinVar:

ClinVar aggregate classification (germline): Uncertain significance (1 of 4 stars; one submission).

Conditions:
PCDH15-related disorder. Also called: PCDH15-related condition; PCDH15-related disorders.

Submission:

PreventionGenetics, part of Exact Sciences
Classification: Uncertain significance for PCDH15-related condition. Last evaluated: 2026-01-21. Review status: criteria provided, single submitter. Criteria: ACMG Guidelines, 2015. Collection method: clinical testing. Allele origin: germline.
Comment: The PCDH15 c.4876_4879dupAATG variant is predicted to result in a frameshift and premature protein termination (p.Val1627Glufs*15). This variant is located in the terminal exon in transcript NM_001354429. This variant can also be denoted as c.*1832_*1835dupAATG (Post-Coding) in the biologically relevant transcript for hearing loss NM_001142769. To our knowledge, this variant has not been reported in the literature or in a large population database (gnomAD), indicating this variant is rare. At this time, the clinical significance of this variant is uncertain due to the absence of conclusive functional and genetic evidence.

NM_001384140.1(PCDH15):c.4942_4945dup (p.Val1649fs)

Gene: PCDH15 (protocadherin related 15; minus strand). Cytogenetic location: 10q21.1.
Variant type: Duplication.
Coding change: c.4942_4945dup on transcript NM_001384140.1 (MANE Select); coding-DNA positions 4942 to 4945, 4 bases duplicated (AATG; older notation c.4942_4945dupAATG).
Protein change: p.Val1649fs; shifts the reading frame from valine 1649.
Molecular consequence: frameshift variant.
Genome position (GRCh38, 1-based): chr10:53,806,857-53,806,860, CATT duplicated on the plus strand (AATG on the coding strand, the reverse complement: PCDH15 is on the minus strand); duplicating any 4 consecutive bases within chr10:53,806,857-53,806,861 gives the same sequence; the c. name uses the placement nearest the transcript's 3' end. VCF-style (leftmost placement, unchanged base first): chr10-53806856-A-ACATT. GRCh37 (hg19) VCF-style: chr10-55566616-A-ACATT.
Other names: c.4768_4771dup, p.Val1591fs (NM_001142771.2); c.4753_4756dup, p.Val1586fs (NM_001142772.2); c.4747_4750dup, p.Val1584fs (NM_001354420.2); c.4876_4879dup, p.Val1627fs (NM_001354429.2); short protein forms V1586fs, V1627fs, V1591fs, V1649fs, V1584fs.
Identifiers: ClinVar variation 4985608 (VCV004985608.1).